The following is an entry in ClinVar:

NM_000540.3(RYR1):c.9472+119G>C

Gene: RYR1 (ryanodine receptor 1; plus strand). Cytogenetic location: 19q13.2.
Variant type: single nucleotide variant.
Coding change: c.9472+119G>C on transcript NM_000540.3 (MANE Select); 119 bases into the intron after coding-DNA position 9472, G replaced by C.
Molecular consequence: intron variant.
Genome position (GRCh38, 1-based): chr19:38,512,602, G>C. VCF-style: chr19-38512602-G-C. GRCh37 (hg19) VCF-style: chr19-39003242-G-C.
Other names: c.9472+119G>C (NM_001042723.2).
Identifiers: ClinVar variation 679598 (VCV000679598.1), dbSNP rs10420476, ClinGen allele CA308125264.

ClinVar aggregate classification (germline): Likely benign (1 of 4 stars; one submission).

Allele frequency attached by ClinVar (database versions not stated): gnomAD exomes 0.00087; gnomAD 0.00747 and 0.00806; 1000 Genomes Project 0.00819; TOPMed 0.00844; 1000 Genomes Project 30x 0.00890.
gnomAD v4.1: 1,895 of 984,232 alleles (0.19%); highest among the groups gnomAD compares: African/African-American, 2.6%; 17 homozygotes.

Submission:

GeneDx
Classification: Likely benign. Last evaluated: 2018-06-16. Review status: criteria provided, single submitter. Criteria: GeneDx Variant Classification (06012015). Collection method: clinical testing. Allele origin: germline. Affected: yes.
Comment: This variant is considered likely benign or benign based on one or more of the following criteria: it is a conservative change, it occurs at a poorly conserved position in the protein, it is predicted to be benign by multiple in silico algorithms, and/or has population frequency not consistent with disease.